The following is an entry in ClinVar:

ClinVar aggregate classification (germline): Benign/Likely benign. Review status: criteria provided, multiple submitters, no conflicts (2 of 4 stars). 22 submissions from 21 submitters: Benign (9); Likely benign (8). 5 of the submissions do not count toward it. Last evaluated 2026-09-01.

Conditions:
Cardiovascular phenotype. Identifiers: MedGen CN230736.
Cardiomyopathy (CMYO). Also called: Cardiomyopathies. Identifiers: Orphanet 167848, MedGen C0878544, MONDO:0004994, HP:0001638. Inheritance: Various modes of inheritance.
Hypertrophic cardiomyopathy 6. Identifiers: MedGen C1833236, MONDO:0010946, OMIM 600858.
Lethal congenital glycogen storage disease of heart. Also called: GLYCOGEN STORAGE DISEASE OF HEART; PHOSPHORYLASE KINASE DEFICIENCY OF HEART. Identifiers: Orphanet 439854, MedGen C1849813, MONDO:0009867, OMIM 261740.
Wolff-Parkinson-White pattern. Also called: WPW SYNDROME; Auriculoventricular accessory pathway syndrome; False bundle branch block syndrome; Anomalous ventricular excitation syndrome. Identifiers: MedGen C0043202, MONDO:0008685, OMIM 194200, HP:0001716.
Hypertrophic cardiomyopathy. Also called: HYPERTROPHIC MYOCARDIOPATHY. Identifiers: Orphanet 217569, MedGen C0007194, MeSH D002312, MONDO:0005045, HP:0001639.

Allele frequency attached by ClinVar (database versions not stated): gnomAD exomes 0.00349 and 0.00560; TOPMed 0.00405; 1000 Genomes Project 0.00140; gnomAD 0.00361 and 0.00374; ExAC 0.00312; ESP Exome Variant Server 0.00354; 1000 Genomes Project 30x 0.00141.
gnomAD v4.1: 8,769 of 1,613,978 alleles (0.54%); highest among the groups gnomAD compares: Non-Finnish European, 0.66%; 32 homozygotes.

Submissions (22):

CeGaT Center for Human Genetics Tuebingen
Classification: Likely benign. Last evaluated: 2026-09-01. Review status: criteria provided, single submitter. Criteria: CeGaT Center For Human Genetics Tuebingen Variant Classification Criteria Version 2. Collection method: clinical testing. Allele origin: germline. Affected: yes. Observed: 38 variant alleles.
Comment: PRKAG2: BP4, BS2

Labcorp Genetics (formerly Invitae), Labcorp
Classification: Benign for Lethal congenital glycogen storage disease of heart. Last evaluated: 2026-02-03. Review status: criteria provided, single submitter. Criteria: Invitae Variant Classification Sherloc (09022015). Collection method: clinical testing. Allele origin: germline.

Molecular Diagnostic Laboratory for Inherited Cardiovascular Disease, Montreal Heart Institute
Classification: Benign. Last evaluated: 2025-04-09. Review status: criteria provided, single submitter. Criteria: ACMG Guidelines, 2015. Collection method: clinical testing. Allele origin: germline. Affected: no.

ARUP Laboratories, Molecular Genetics and Genomics, ARUP Laboratories
Classification: Benign. Last evaluated: 2025-03-31. Review status: criteria provided, single submitter. Criteria: ARUP Molecular Germline Variant Investigation Process 2024. Collection method: clinical testing. Allele origin: germline.

Mayo Clinic Laboratories, Mayo Clinic
Classification: Benign. Last evaluated: 2025-01-27. Review status: criteria provided, single submitter. Criteria: ACMG Guidelines, 2015. Collection method: clinical testing. Allele origin: germline. Observed: 34 variant alleles.
Comment: BA1, BS2, BP4, BP7

Blueprint Genetics
Classification: Likely benign. Last evaluated: 2024-11-25. Review status: criteria provided, single submitter. Criteria: ACMG Guidelines, 2015. Collection method: clinical testing. Allele origin: germline.

All of Us Research Program, National Institutes of Health
Classification: Benign for Hypertrophic cardiomyopathy. Last evaluated: 2024-02-05. Review status: criteria provided, single submitter. Criteria: ACMG Guidelines, 2015. Collection method: clinical testing. Allele origin: germline. Inheritance: Autosomal dominant inheritance. Observed: 1,076 variant alleles, 1,072 heterozygotes, 4 homozygotes.
Comment: This study involves interpretation of variants in research participants for the purpose of population health screening. Participant phenotype was not available at the time of variant classification. Additional details can be found in publication PMID: 35346344, PMCID: PMC8962531

CHEO Genetics Diagnostic Laboratory, Children's Hospital of Eastern Ontario
Classification: Benign for Cardiomyopathy. Last evaluated: 2019-03-15. Review status: criteria provided, single submitter. Criteria: ACMG Guidelines, 2015. Collection method: clinical testing. Allele origin: germline.

Color Diagnostics, LLC DBA Color Health
Classification: Benign for Cardiomyopathy. Last evaluated: 2018-03-14. Review status: criteria provided, single submitter. Criteria: ACMG Guidelines, 2015. Collection method: clinical testing. Allele origin: germline.

Illumina Laboratory Services, Illumina
Classification: Likely benign for Wolff-Parkinson-White pattern. Last evaluated: 2018-01-13. Review status: criteria provided, single submitter. Criteria: ICSL Variant Classification Criteria 13 December 2019. Collection method: clinical testing. Allele origin: germline.
Comment: This variant was observed in the ICSL laboratory as part of a predisposition screen in an ostensibly healthy population. It had not been previously curated by ICSL or reported in the Human Gene Mutation Database (HGMD: prior to June 1st, 2018), and was therefore a candidate for classification through an automated scoring system. Utilizing variant allele frequency, disease prevalence and penetrance estimates, and inheritance mode, an automated score was calculated to assess if this variant is too frequent to cause the disease. Based on the score and internal cut-off values, a variant classified as likely benign is not then subjected to further curation. The score for this variant resulted in a classification of likely benign for this disease.

Illumina Laboratory Services, Illumina
Classification: Likely benign for Hypertrophic cardiomyopathy 6. Last evaluated: 2018-01-13. Review status: criteria provided, single submitter. Criteria: ICSL Variant Classification Criteria 13 December 2019. Collection method: clinical testing. Allele origin: germline.
Comment: the same text as in the submission from Illumina Laboratory Services, Illumina above.

Institute for Genomic Medicine (IGM) Clinical Laboratory, Nationwide Children's Hospital
Classification: Likely benign. Last evaluated: 2017-08-14. Review status: criteria provided, single submitter. Criteria: ACMG Guidelines, 2015. Collection method: clinical testing. Allele origin: germline.
Comment: BS1, BP6; This alteration has an allele frequency that is greater than expected for the associated disease, and was reported as a benign/likely benign alteration by a reputable source (ClinVar or other correspondence from a clinical testing laboratory).

Ambry Genetics
Classification: Likely benign for Cardiovascular phenotype. Last evaluated: 2016-01-05. Review status: criteria provided, single submitter. Criteria: Ambry Variant Classification Scheme 2023. Collection method: clinical testing. Allele origin: germline.

GeneDx
Classification: Benign. Last evaluated: 2015-03-03. Review status: criteria provided, single submitter. Criteria: GeneDx Variant Classification Process June 2021. Collection method: clinical testing. Allele origin: germline. Affected: yes.

Eurofins Ntd Llc (ga)
Classification: Likely benign. Last evaluated: 2015-02-23. Review status: criteria provided, single submitter. Criteria: EGL Classification Definitions 2015. Collection method: clinical testing. Allele origin: germline. Observed: 1 variant allele, 1 heterozygote.

Laboratory for Molecular Medicine, Mass General Brigham Personalized Medicine
Classification: Benign. Last evaluated: 2012-03-15. Review status: criteria provided, single submitter. Criteria: LMM Criteria. Collection method: clinical testing. Allele origin: germline. Observed: 49 variant alleles.
Comment: Arg531Arg in exon 15 of PRKAG2: This variant is not expected to have clinical si gnificance because it does not alter an amino acid residue, is not located withi n the splice consensus sequence, and has been identified in 0.5% (38/7020) of Eu ropean American chromosomes from a broad population by the NHLBI Exome Sequencin g Project (rs148197254).

Breakthrough Genomics
Classification: Likely benign. Review status: criteria provided, single submitter. Criteria: ACMG Guidelines, 2015. Collection method: not provided. Allele origin: germline. Inheritance: Autosomal dominant inheritance. Affected: yes.

Women's Health and Genetics/Laboratory Corporation of America, LabCorp
Classification: Benign for Cardiomyopathy. Last evaluated: 2015-06-04. Review status: no assertion criteria provided. Collection method: clinical testing. Allele origin: germline. Not counted in ClinVar's aggregate classification.

Clinical Genetics DNA and cytogenetics Diagnostics Lab, Erasmus MC, Erasmus Medical Center
Classification: Likely benign. Review status: no assertion criteria provided. Collection method: clinical testing. Allele origin: germline. Affected: yes. Study: VKGL Data-share Consensus. Not counted in ClinVar's aggregate classification.

Clinical Genetics, Academic Medical Center
Classification: Benign. Review status: no assertion criteria provided. Collection method: clinical testing. Allele origin: germline. Affected: yes. Study: VKGL Data-share Consensus. Not counted in ClinVar's aggregate classification.

Diagnostic Laboratory, Department of Genetics, University Medical Center Groningen
Classification: Likely benign. Review status: no assertion criteria provided. Collection method: clinical testing. Allele origin: germline. Affected: yes. Study: VKGL Data-share Consensus. Not counted in ClinVar's aggregate classification.

Joint Genome Diagnostic Labs from Nijmegen and Maastricht, Radboudumc and MUMC+
Classification: Benign. Review status: no assertion criteria provided. Collection method: clinical testing. Allele origin: germline. Affected: yes. Study: VKGL Data-share Consensus. Not counted in ClinVar's aggregate classification.

NM_016203.4(PRKAG2):c.1593G>A (p.Arg531=)

Gene: PRKAG2 (protein kinase AMP-activated non-catalytic subunit gamma 2; minus strand). Cytogenetic location: 7q36.1.
Variant type: single nucleotide variant.
Coding change: c.1593G>A on transcript NM_016203.4 (MANE Select); coding-DNA position 1593, G replaced by A.
Protein change: p.Arg531=; no amino-acid change (arginine 531 retained).
Molecular consequence: synonymous variant.
Genome position (GRCh38, 1-based): chr7:151,560,609, C>T on the plus strand (G>A on the coding strand, the complement: PRKAG2 is on the minus strand). VCF-style: chr7-151560609-C-T. GRCh37 (hg19) VCF-style: chr7-151257695-C-T.
Other names: p.Arg531=; c.1461G>A, p.Arg487= (NM_001040633.2); c.1218G>A, p.Arg406= (NM_001304527.2); c.870G>A, p.Arg290= (NM_001304531.2, NM_024429.2); c.1221G>A, p.Arg407= (NM_001363698.2).
Identifiers: ClinVar variation 36696 (VCV000036696.80), dbSNP rs148197254, ClinGen allele CA013906.